The following is an entry in ClinVar:

NM_000784.4(CYP27A1):c.721G>T (p.Val241Phe)

Gene: CYP27A1 (cytochrome P450 family 27 subfamily A member 1; plus strand). Cytogenetic location: 2q35.
Variant type: single nucleotide variant.
Coding change: c.721G>T on transcript NM_000784.4 (MANE Select); coding-DNA position 721, G replaced by T.
Protein change: p.Val241Phe; replaces valine 241 with phenylalanine.
Molecular consequence: missense variant.
Genome position (GRCh38, 1-based): chr2:218,812,626, G>T. VCF-style: chr2-218812626-G-T. GRCh37 (hg19) VCF-style: chr2-219677349-G-T.
Other names: short protein forms V241F.
Identifiers: ClinVar variation 1757769 (VCV001757769.6), dbSNP rs369660141, ClinGen allele CA2112705.

ClinVar aggregate classification (germline): Uncertain significance. Review status: criteria provided, multiple submitters, no conflicts (2 of 4 stars). 3 submissions from 3 submitters: Uncertain significance (3). Last evaluated 2026-09-23.

Conditions:
Cholestanol storage disease (CTX). Also called: CEREBRAL CHOLESTERINOSIS; CTX: Cerebrotendinous xanthomatosis; Cerebrotendinous Xanthomatosis. Identifiers: Orphanet 909, MedGen C0238052, MONDO:0008948, OMIM 213700.
CYP27A1-related disorder. Also called: CYP27A1-related condition.
Cardiovascular phenotype. Identifiers: MedGen CN230736.

Allele frequency attached by ClinVar (database versions not stated): ExAC 0.00002.

Submissions (3):

PreventionGenetics, part of Exact Sciences
Classification: Uncertain significance for CYP27A1-related condition. Last evaluated: 2026-09-23. Review status: criteria provided, single submitter. Criteria: ACMG Guidelines, 2015. Collection method: clinical testing. Allele origin: germline.
Comment: The CYP27A1 c.721G>T variant is predicted to result in the amino acid substitution p.Val241Phe. To our knowledge, this variant has not been reported in the literature. This variant is reported in 0.0054% of alleles in individuals of East Asian descent in gnomAD. At this time, the clinical significance of this variant is uncertain due to the absence of conclusive functional and genetic evidence.

Ambry Genetics
Classification: Uncertain significance for Cardiovascular phenotype. Last evaluated: 2024-11-20. Review status: criteria provided, single submitter. Criteria: Ambry Variant Classification Scheme 2023. Collection method: clinical testing. Allele origin: germline.
Comment: The p.V241F variant (also known as c.721G>T), located in coding exon 4 of the CYP27A1 gene, results from a G to T substitution at nucleotide position 721. The valine at codon 241 is replaced by phenylalanine, an amino acid with highly similar properties. This amino acid position is poorly conserved in available vertebrate species. In addition, this alteration is predicted to be tolerated by in silico analysis. Based on the available evidence, the clinical significance of this variant remains unclear.

Labcorp Genetics (formerly Invitae), Labcorp
Classification: Uncertain significance for Cholestanol storage disease. Last evaluated: 2022-07-19. Review status: criteria provided, single submitter. Criteria: Invitae Variant Classification Sherloc (09022015). Collection method: clinical testing. Allele origin: germline.
Comment: This sequence change replaces valine, which is neutral and non-polar, with phenylalanine, which is neutral and non-polar, at codon 241 of the CYP27A1 protein (p.Val241Phe). This variant is present in population databases (rs369660141, gnomAD 0.006%). This variant has not been reported in the literature in individuals affected with CYP27A1-related conditions. Algorithms developed to predict the effect of missense changes on protein structure and function are either unavailable or do not agree on the potential impact of this missense change (SIFT: "Deleterious"; PolyPhen-2: "Possibly Damaging"; Align-GVGD: "Class C0"). In summary, the available evidence is currently insufficient to determine the role of this variant in disease. Therefore, it has been classified as a Variant of Uncertain Significance.